The following is an entry in ClinVar:

NM_001018005.2(TPM1):c.851+233G>A

Gene: TPM1 (tropomyosin 1; plus strand). Cytogenetic location: 15q22.2.
Variant type: single nucleotide variant.
Coding change: c.851+233G>A on transcript NM_001018005.2 (MANE Select); 233 bases into the intron after coding-DNA position 851, G replaced by A.
Molecular consequence: intron variant. On other transcripts: 3 prime UTR variant (2).
Genome position (GRCh38, 1-based): chr15:63,064,375, G>A. VCF-style: chr15-63064375-G-A. GRCh37 (hg19) VCF-style: chr15-63356574-G-A.
Other names: c.*229G>A (NM_001365781.2, NM_001365782.1); c.898+1730G>A (NM_001365778.1); c.772+1730G>A (NM_001018020.2, NM_001018007.2, NM_001018006.2 and 2 more transcripts); c.851+233G>A (NM_001301244.2); c.44+185G>A (NM_000366.6, NM_001365779.1); c.773-1521G>A (NM_001365777.1); c.664+1730G>A (NM_001330351.2, NM_001330344.2, NM_001018008.2 and 1 more transcripts); c.743+233G>A (NM_001330346.2); and 1 more.
Identifiers: ClinVar variation 672563 (VCV000672563.3), dbSNP rs73440420, ClinGen allele CA272035492.

ClinVar aggregate classification (germline): Likely benign. Review status: criteria provided, multiple submitters, no conflicts (2 of 4 stars). 3 submissions from 3 submitters: Likely benign (3). Last evaluated 2018-06-14.

Allele frequency attached by ClinVar (database versions not stated): gnomAD exomes 0.01591; gnomAD 0.02546 and 0.02636; TOPMed 0.02642; 1000 Genomes Project 0.03375; 1000 Genomes Project 30x 0.03420.

Submissions (3):

GeneDx
Classification: Likely benign. Last evaluated: 2018-06-14. Review status: criteria provided, single submitter. Criteria: GeneDx Variant Classification (06012015). Collection method: clinical testing. Allele origin: germline. Affected: yes.
Comment: This variant is considered likely benign or benign based on one or more of the following criteria: it is a conservative change, it occurs at a poorly conserved position in the protein, it is predicted to be benign by multiple in silico algorithms, and/or has population frequency not consistent with disease.

Blueprint Genetics
Classification: Likely benign. Last evaluated: 2018-05-28. Review status: criteria provided, single submitter. Criteria: ACMG Guidelines, 2015. Collection method: clinical testing. Allele origin: germline.

Breakthrough Genomics
Classification: Likely benign. Review status: criteria provided, single submitter. Criteria: ACMG Guidelines, 2015. Collection method: not provided. Allele origin: germline. Inheritance: Autosomal dominant inheritance. Affected: yes.